The following is an entry in ClinVar:

ClinVar aggregate classification (germline): Uncertain significance (1 of 4 stars; one submission).

Submission:

Ambry Genetics
Classification: Uncertain significance. Last evaluated: 2025-02-12. Review status: criteria provided, single submitter. Criteria: Ambry Variant Classification Scheme 2023. Collection method: clinical testing. Allele origin: germline.
Comment: The p.L271R variant (also known as c.812T>G), located in coding exon 1 of the EGLN1 gene, results from a T to G substitution at nucleotide position 812. The leucine at codon 271 is replaced by arginine, an amino acid with dissimilar properties. This amino acid position is conserved. In addition, this alteration is predicted to be tolerated by in silico analysis. Based on the available evidence, the clinical significance of this variant remains unclear.

NM_022051.3(EGLN1):c.812T>G (p.Leu271Arg)

Genes: EGLN1 (egl-9 family hypoxia inducible factor 1; minus strand), LOC129932769 (ATAC-STARR-seq lymphoblastoid active region 2730; plus strand). Cytogenetic location: 1q42.2.
Variant type: single nucleotide variant.
Coding change: c.812T>G on transcript NM_022051.3 (MANE Select); coding-DNA position 812, T replaced by G.
Protein change: p.Leu271Arg; replaces leucine 271 with arginine.
Molecular consequence: missense variant.
Genome position (GRCh38, 1-based): chr1:231,421,077, A>C on the plus strand (T>G on the coding strand, the complement: EGLN1 is on the minus strand). VCF-style: chr1-231421077-A-C. GRCh37 (hg19) VCF-style: chr1-231556823-A-C.
Other names: c.812T>G, p.Leu271Arg (NM_001377260.1, NM_001377261.1); short protein forms L271R.
Identifiers: ClinVar variation 3843890 (VCV003843890.1).